The following is an entry in ClinVar:

ClinVar aggregate classification (germline): Uncertain significance (1 of 4 stars; one submission).

Conditions:
Inborn genetic diseases. Identifiers: MedGen C0950123, MeSH D030342.

Allele frequency attached by ClinVar (database versions not stated): TOPMed below 0.00001; ExAC 0.00001.
gnomAD v4.1: 5 of 1,612,252 alleles (0.00031%); highest among the groups gnomAD compares: Admixed American, 0.0067%; no homozygotes.

Submission:

Ambry Genetics
Classification: Uncertain significance for Inborn genetic diseases. Last evaluated: 2021-03-01. Review status: criteria provided, single submitter. Criteria: Ambry Variant Classification Scheme 2023. Collection method: clinical testing. Allele origin: germline.
Comment: The c.176C>T (p.T59I) alteration is located in exon 1 (coding exon 1) of the KDM5B gene. This alteration results from a C to T substitution at nucleotide position 176, causing the threonine (T) at amino acid position 59 to be replaced by an isoleucine (I). The p.T59I alteration is predicted to be tolerated by in silico analysis. Based on insufficient or conflicting evidence, the clinical significance of this alteration remains unclear.

NM_006618.5(KDM5B):c.176C>T (p.Thr59Ile)

Genes: KDM5B (lysine demethylase 5B; minus strand), LOC129932249 (ATAC-STARR-seq lymphoblastoid silent region 1705; plus strand). Cytogenetic location: 1q32.1.
Variant type: single nucleotide variant.
Coding change: c.176C>T on transcript NM_006618.5 (MANE Select); coding-DNA position 176, C replaced by T.
Protein change: p.Thr59Ile; replaces threonine 59 with isoleucine.
Molecular consequence: missense variant.
Genome position (GRCh38, 1-based): chr1:202,808,130, G>A on the plus strand (C>T on the coding strand, the complement: KDM5B is on the minus strand). VCF-style: chr1-202808130-G-A. GRCh37 (hg19) VCF-style: chr1-202777258-G-A.
Other names: c.176C>T, p.Thr59Ile (NM_001314042.2, NM_001347591.2, NM_001399817.1); short protein forms T59I.
Identifiers: ClinVar variation 2380029 (VCV002380029.2), dbSNP rs749608987, ClinGen allele CA1335088.